The following is an entry in ClinVar:

NM_001035.3(RYR2):c.3296G>A (p.Gly1099Glu)

Gene: RYR2 (ryanodine receptor 2; plus strand). Cytogenetic location: 1q43.
Variant type: single nucleotide variant.
Coding change: c.3296G>A on transcript NM_001035.3 (MANE Select); coding-DNA position 3296, G replaced by A.
Protein change: p.Gly1099Glu; replaces glycine 1099 with glutamic acid.
Molecular consequence: missense variant.
Genome position (GRCh38, 1-based): chr1:237,566,648, G>A. VCF-style: chr1-237566648-G-A. GRCh37 (hg19) VCF-style: chr1-237729948-G-A.
Other names: short protein forms G1099E.
Identifiers: ClinVar variation 3385703 (VCV003385703.1).
Genomic context (GRCh38, chr1:237,566,648, plus strand): 5'-GCGGCACCGGGGAAAGGTTCCGAATCTTCCGTGCCGAGAAGACCTATGCAGTGAAGGCCG[G>A]ACGGTGGTATTTTGAATTTGAGACGGTCACTGCTGGAGACATGAGGGTTGGTTGGAGTCG-3'
Protein context (NP_001026.2, residues 1089-1109): RAEKTYAVKA[Gly1099Glu]RWYFEFETVT

ClinVar aggregate classification (germline): Uncertain significance (1 of 4 stars; one submission).

Conditions:
Catecholaminergic polymorphic ventricular tachycardia (CVPT). Also called: Catecholamine-induced polymorphic ventricular tachycardia. Identifiers: Orphanet 3286, MedGen C5574922, MONDO:0017990.

gnomAD v4.1: 1 of 1,614,000 alleles (0.000062%); highest among the groups gnomAD compares: African/African-American, 0.0013%; no homozygotes.

Submission:

All of Us Research Program, National Institutes of Health
Classification: Uncertain significance for Catecholaminergic polymorphic ventricular tachycardia. Last evaluated: 2024-05-14. Review status: criteria provided, single submitter. Criteria: ACMG Guidelines, 2015. Collection method: clinical testing. Allele origin: germline. Inheritance: Autosomal dominant inheritance. Observed: 1 variant allele, 1 heterozygote.
Comment: This missense variant replaces glycine with glutamic acid at codon 1099 of the RYR2 protein. Computational prediction suggests that this variant may have deleterious impact on protein structure and function (internally defined REVEL score threshold >= 0.7, PMID: 27666373). To our knowledge, functional studies have not been reported for this variant. This variant has not been reported in individuals affected with RYR2-related disorders in the literature. This variant has not been identified in the general population by the Genome Aggregation Database (gnomAD). The available evidence is insufficient to determine the role of this variant in disease conclusively. Therefore, this variant is classified as a Variant of Uncertain Significance.

This study involves interpretation of variants in research participants for the purpose of population health screening. Participant phenotype was not available at the time of variant classification. Additional details can be found in publication PMID: 35346344, PMCID: PMC8962531